The following is an entry in ClinVar:

ClinVar aggregate classification (germline): Uncertain significance. Review status: criteria provided, multiple submitters, no conflicts (2 of 4 stars). 2 submissions from 2 submitters: Uncertain significance (2). Last evaluated 2022-04-19.

Conditions:
Cerebellar ataxia, brain abnormalities, and cardiac conduction defects. Identifiers: Orphanet 641361, MedGen C5562005, MONDO:0859200, OMIM 619576.

Allele frequency attached by ClinVar (database versions not stated): gnomAD exomes 0.00012; ESP Exome Variant Server 0.00015; ExAC 0.00017; gnomAD 0.00017 and 0.00020.

Submissions (2):

SIB Swiss Institute of Bioinformatics
Classification: Uncertain significance for Cerebellar ataxia, brain abnormalities, and cardiac conduction defects. Last evaluated: 2022-04-19. Review status: criteria provided, single submitter. Criteria: ACMG Guidelines, 2015. Collection method: curation. Allele origin: unknown.
Comment: This variant is interpreted as a variant of uncertain significance for Cerebellar ataxia, brain abnormalities, and cardiac conduction defects, autosomal recessive. The following ACMG Tag(s) were applied: Multiple lines of computational evidence support a deleterious effect on the gene or gene product (PP3).

GeneDx
Classification: Uncertain significance. Last evaluated: 2019-07-24. Review status: criteria provided, single submitter. Criteria: GeneDx Variant Classification Process June 2021. Collection method: clinical testing. Allele origin: germline. Affected: yes.
Comment: In silico analysis, which includes protein predictors and evolutionary conservation, supports a deleterious effect; Has not been previously published as pathogenic or benign to our knowledge; Variants in candidate genes are classified as variants of uncertain significance in accordance with ACMG guidelines (Richards et al., 2015); This variant is associated with the following publications: (PMID: 32504085)

Literature cited by the submitters: PubMed 32504085 (cited by SIB Swiss Institute of Bioinformatics).

NM_020158.4(EXOSC5):c.443T>C (p.Met148Thr)

Gene: EXOSC5 (exosome component 5; minus strand). Cytogenetic location: 19q13.2.
Variant type: single nucleotide variant.
Coding change: c.443T>C on transcript NM_020158.4 (MANE Select); coding-DNA position 443, T replaced by C.
Protein change: p.Met148Thr; replaces methionine 148 with threonine.
Molecular consequence: missense variant.
Genome position (GRCh38, 1-based): chr19:41,389,847, A>G on the plus strand (T>C on the coding strand, the complement: EXOSC5 is on the minus strand). VCF-style: chr19-41389847-A-G. GRCh37 (hg19) VCF-style: chr19-41895752-A-G.
Other names: short protein forms M148T.
Identifiers: ClinVar variation 1307391 (VCV001307391.3), dbSNP rs367988911, ClinGen allele CA9460748.
Genomic context (GRCh38, chr19:41,389,847, plus strand): 5'-TCCAGCACGAGGGTCCCATCAGAGTCCAGGGCGCAGGCGACCCCACAGAAGAGAGCCCGC[A>G]TGGGCACACCTGCATCCACCAATGCCATGCAGGCGGCATTCAGACAACAGGCCAGGAGCT-3'
Protein context (NP_064543.3, residues 138-158): CMALVDAGVP[Met148Thr]RALFCGVACA